The following is an entry in ClinVar:

ClinVar aggregate classification (germline): Likely benign (1 of 4 stars; one submission).

Submission:

CeGaT Center for Human Genetics Tuebingen
Classification: Likely benign. Last evaluated: 2025-07-01. Review status: criteria provided, single submitter. Criteria: CeGaT Center For Human Genetics Tuebingen Variant Classification Criteria Version 2. Collection method: clinical testing. Allele origin: germline. Affected: yes. Observed: 1 variant allele.
Comment: C6orf15: PM2:Supporting, BP4, BP7

NM_014070.3(C6orf15):c.843C>T (p.Gly281=)

Gene: C6orf15 (chromosome 6 open reading frame 15; minus strand). Cytogenetic location: 6p21.33.
Variant type: single nucleotide variant.
Coding change: c.843C>T on transcript NM_014070.3 (MANE Select); coding-DNA position 843, C replaced by T.
Protein change: p.Gly281=; no amino-acid change (glycine 281 retained).
Molecular consequence: synonymous variant.
Genome position (GRCh38, 1-based): chr6:31,111,516, G>A on the plus strand (C>T on the coding strand, the complement: C6orf15 is on the minus strand). VCF-style: chr6-31111516-G-A. GRCh37 (hg19) VCF-style: chr6-31079293-G-A.
Identifiers: ClinVar variation 4085445 (VCV004085445.8).